The following is an entry in ClinVar:

NM_000476.3(AK1):c.534C>T (p.Ser178=)

Genes: AK1 (adenylate kinase 1; minus strand), ST6GALNAC4-ST6GALNAC6-AK1 (ST6GALNAC4-ST6GALNAC6-AK1 readthrough; minus strand). Cytogenetic location: 9q34.11.
Variant type: single nucleotide variant.
Coding change: c.534C>T on transcript NM_000476.3 (MANE Select); coding-DNA position 534, C replaced by T.
Protein change: p.Ser178=; no amino-acid change (serine 178 retained).
Molecular consequence: synonymous variant. On other transcripts: non-coding transcript variant (8).
Genome position (GRCh38, 1-based): chr9:127,868,059, G>A on the plus strand (C>T on the coding strand, the complement: AK1 is on the minus strand). VCF-style: chr9-127868059-G-A. GRCh37 (hg19) VCF-style: chr9-130630338-G-A.
Other names: p.Ser178=; c.534C>T, p.Ser178= (NM_001318121.1); c.582C>T, p.Ser194= (NM_001318122.2).
Identifiers: ClinVar variation 4683432 (VCV004683432.1).

ClinVar aggregate classification (germline): Likely benign (1 of 4 stars; one submission).

Submission:

Mayo Clinic Laboratories, Mayo Clinic
Classification: Likely benign. Last evaluated: 2025-05-22. Review status: criteria provided, single submitter. Criteria: ACMG Guidelines, 2015. Collection method: clinical testing. Allele origin: germline. Observed: 1 variant allele.
Comment: BP4, BP7, PM2_supporting